The following is an entry in ClinVar:

ClinVar aggregate classification (germline): Benign/Likely benign. Review status: criteria provided, multiple submitters, no conflicts (2 of 4 stars). 4 submissions from 4 submitters: Benign (1); Likely benign (3). Last evaluated 2025-01-17.

Conditions:
Familial cancer of breast. Also called: BREAST CANCER, FAMILIAL; Hereditary breast cancer; hereditary breast carcinoma. Identifiers: Orphanet 227535, MedGen C0346153, MONDO:0016419, OMIM 114480. Disease mechanism: loss of function.
Hereditary cancer-predisposing syndrome. Also called: Neoplastic Syndromes, Hereditary; Tumor predisposition; Hereditary Cancer Syndrome; Hereditary neoplastic syndrome. Identifiers: Orphanet 140162, MedGen C0027672, MeSH D009386, MONDO:0015356.

gnomAD v4.1: 1 of 1,614,134 alleles (0.000062%); highest among the groups gnomAD compares: Non-Finnish European, 0.000085%; no homozygotes.

Submissions (4):

Labcorp Genetics (formerly Invitae), Labcorp
Classification: Likely benign for Familial cancer of breast. Last evaluated: 2025-01-17. Review status: criteria provided, single submitter. Criteria: Invitae Variant Classification Sherloc (09022015). Collection method: clinical testing. Allele origin: germline.

Myriad Genetics, Inc.
Classification: Benign for Familial cancer of breast. Last evaluated: 2025-01-13. Review status: criteria provided, single submitter. Criteria: Myriad Autosomal Dominant, Autosomal Recessive and X-Linked Classification Criteria (2023). Collection method: clinical testing. Allele origin: unknown.
Comment: This variant is considered benign. This variant is a silent/synonymous amino acid change and it is not expected to impact splicing.

Color Diagnostics, LLC DBA Color Health
Classification: Likely benign for Hereditary cancer-predisposing syndrome. Last evaluated: 2018-07-02. Review status: criteria provided, single submitter. Criteria: ACMG Guidelines, 2015. Collection method: clinical testing. Allele origin: germline.

Ambry Genetics
Classification: Likely benign for Hereditary cancer-predisposing syndrome. Last evaluated: 2016-03-04. Review status: criteria provided, single submitter. Criteria: Ambry Variant Classification Scheme 2023. Collection method: clinical testing. Allele origin: germline.

NM_024675.4(PALB2):c.1470C>G (p.Pro490=)

Gene: PALB2 (partner and localizer of BRCA2; minus strand). Cytogenetic location: 16p12.2.
Variant type: single nucleotide variant.
Coding change: c.1470C>G on transcript NM_024675.4 (MANE Select); coding-DNA position 1470, C replaced by G.
Protein change: p.Pro490=; no amino-acid change (proline 490 retained).
Molecular consequence: synonymous variant.
Genome position (GRCh38, 1-based): chr16:23,635,076, G>C on the plus strand (C>G on the coding strand, the complement: PALB2 is on the minus strand). VCF-style: chr16-23635076-G-C. GRCh37 (hg19) VCF-style: chr16-23646397-G-C.
Identifiers: ClinVar variation 484179 (VCV000484179.17), dbSNP rs45612837, ClinGen allele CA494461438.